The following is an entry in ClinVar:

NM_000218.3(KCNQ1):c.1177A>G (p.Lys393Glu)

Gene: KCNQ1 (potassium voltage-gated channel subfamily Q member 1; plus strand). Cytogenetic location: 11p15.5.
Variant type: single nucleotide variant.
Coding change: c.1177A>G on transcript NM_000218.3 (MANE Select); coding-DNA position 1177, A replaced by G.
Protein change: p.Lys393Glu; replaces lysine 393 with glutamic acid.
Molecular consequence: missense variant.
Genome position (GRCh38, 1-based): chr11:2,587,618, A>G. VCF-style: chr11-2587618-A-G. GRCh37 (hg19) VCF-style: chr11-2608848-A-G.
Other names: c.1081A>G, p.Lys361Glu (NM_001406836.1); c.907A>G, p.Lys303Glu (NM_001406837.1); c.637A>G, p.Lys213Glu (NM_001406838.1); c.796A>G, p.Lys266Glu (NM_181798.2); short protein forms K266E, K393E, K213E, K303E, K361E.
Identifiers: ClinVar variation 919675 (VCV000919675.10), dbSNP rs1848611273, ClinGen allele CA379134735.
Genomic context (GRCh38, chr11:2,587,618, plus strand): 5'-GCCCGACCTCAGACCGCATGGAGGTGCTATGCTGCCGAGAACCCCGACTCCTCCACCTGG[A>G]AGATCTACATCCGGAAGGCCCCCCGGAGCCACACTCTGCTGTCACCCAGCCCCAAACCCA-3'
Protein context (NP_000209.2, residues 383-403): AAENPDSSTW[Lys393Glu]IYIRKAPRSH

ClinVar aggregate classification (germline): Uncertain significance. Review status: criteria provided, multiple submitters, no conflicts (2 of 4 stars). 4 submissions from 4 submitters: Uncertain significance (4). Last evaluated 2025-08-25.

Conditions:
Cardiac arrhythmia. Also called: Cardiac rhythm disease; Arrhythmia. Identifiers: MedGen C0003811, MONDO:0007263, HP:0011675.
Long QT syndrome (LQTS). Identifiers: MedGen C0023976, MeSH D008133, MONDO:0002442. Disease mechanism: loss of function. Inheritance: Various modes of inheritance.
Atrial fibrillation, familial, 3 (ATFB3). Identifiers: MedGen C1837014, MONDO:0011857, OMIM 607554.
Beckwith-Wiedemann syndrome (BWS). Also called: EMG SYNDROME; Exomphalos macroglossia gigantism syndrome. Identifiers: Orphanet 116, MedGen C0004903, MONDO:0007534, OMIM 130650.
Jervell and Lange-Nielsen syndrome 1 (JLNS1). Also called: CARDIOAUDITORY SYNDROME OF JERVELL AND LANGE-NIELSEN; DEAFNESS, CONGENITAL, AND FUNCTIONAL HEART DISEASE; PROLONGED QT INTERVAL IN EKG AND SUDDEN DEATH; SURDO-CARDIAC SYNDROME. Identifiers: Orphanet 768, Orphanet 90647, MedGen C4551509, MONDO:0024540, OMIM 220400.
Short QT syndrome type 2. Identifiers: Orphanet 51083, MedGen C1865019, MONDO:0012313, OMIM 609621.
Long QT syndrome 1 (LQT1). Identifiers: Orphanet 101016, Orphanet 768, MedGen C4551647, MONDO:0100316, OMIM 192500, MONDO:0008646.

Allele frequency attached by ClinVar (database versions not stated): TOPMed below 0.00001; gnomAD exomes 0.00001.
gnomAD v4.1: 6 of 1,613,828 alleles (0.00037%); highest among the groups gnomAD compares: Non-Finnish European, 0.00051%; no homozygotes.

Submissions (4):

Color Diagnostics, LLC DBA Color Health
Classification: Uncertain significance for Cardiac arrhythmia. Last evaluated: 2025-08-25. Review status: criteria provided, single submitter. Criteria: ACMG Guidelines, 2015. Collection method: clinical testing. Allele origin: germline.
Comment: This missense variant replaces lysine with glutamic acid at codon 393 of the KCNQ1 protein. Computational prediction suggests that this variant may have deleterious impact on protein structure and function. To our knowledge, functional studies have not been reported for this variant. This variant has not been reported in individuals affected with KCNQ1-related disorders in the literature. This variant has not been identified in the general population by the Genome Aggregation Database (gnomAD). The available evidence is insufficient to determine the role of this variant in disease conclusively. Therefore, this variant is classified as a Variant of Uncertain Significance.

All of Us Research Program, National Institutes of Health
Classification: Uncertain significance for Long QT syndrome. Last evaluated: 2024-01-11. Review status: criteria provided, single submitter. Criteria: ACMG Guidelines, 2015. Collection method: clinical testing. Allele origin: germline. Inheritance: Autosomal dominant inheritance. Observed: 1 variant allele, 1 heterozygote.
Comment: This missense variant replaces lysine with glutamic acid at codon 393 of the KCNQ1 protein. Computational prediction tools and conservation analyses suggest that this variant may have deleterious impact on the protein function. Computational splicing tools suggest that this variant may not impact RNA splicing. To our knowledge, functional assays have not been performed for this variant nor has this variant been reported in individuals affected with cardiovascular disorders in the literature. This variant has not been identified in the general population by the Genome Aggregation Database (gnomAD). Available evidence is insufficient to determine the role of this variant in disease conclusively. Therefore, this variant is classified as a Variant of Uncertain Significance.

This study involves interpretation of variants in research participants for the purpose of population health screening. Participant phenotype was not available at the time of variant classification. Additional details can be found in publication PMID: 35346344, PMCID: PMC8962531

Fulgent Genetics
Classification: Uncertain significance for Beckwith-Wiedemann syndrome; Long QT syndrome 1; Jervell and Lange-Nielsen syndrome 1; Atrial fibrillation, familial, 3; Short QT syndrome type 2. Last evaluated: 2022-05-23. Review status: criteria provided, single submitter. Criteria: ACMG Guidelines, 2015. Collection method: clinical testing. Allele origin: unknown.

Breakthrough Genomics
Classification: Uncertain significance. Review status: criteria provided, single submitter. Criteria: ACMG Guidelines, 2015. Collection method: not provided. Allele origin: germline. Inheritance: Autosomal recessive inheritance. Affected: yes.